The following is an entry in ClinVar:

NM_182931.3(KMT2E):c.4883dup (p.Pro1629fs)

Gene: KMT2E (lysine methyltransferase 2E (inactive); plus strand). Cytogenetic location: 7q22.3.
Variant type: Duplication.
Coding change: c.4883dup on transcript NM_182931.3 (MANE Select); coding-DNA position 4883, one base duplicated (C; older notation c.4883dupC).
Protein change: p.Pro1629fs; shifts the reading frame from proline 1629.
Molecular consequence: frameshift variant.
Genome position (GRCh38, 1-based): chr7:105,112,639, C duplicated; the last of 6 consecutive C bases (chr7:105,112,634-105,112,639); duplicating any one gives the same sequence. VCF-style (leftmost placement, unchanged base first): chr7-105112633-T-TC. GRCh37 (hg19) VCF-style: chr7-104753080-T-TC.
Other names: c.4757dup, p.Pro1587Serfs (NM_001410908.1); c.4883dup, p.Pro1629fs (NM_018682.4); c.4883dup (NM_182931.2); short protein forms P1629fs.
Identifiers: ClinVar variation 2023840 (VCV002023840.6), dbSNP rs1295432172, ClinGen allele CA2580076102.

ClinVar aggregate classification (germline): Pathogenic. Review status: criteria provided, multiple submitters, no conflicts (2 of 4 stars). 2 submissions from 2 submitters: Pathogenic (2). Last evaluated 2025-08-07.

Submissions (2):

GeneDx
Classification: Pathogenic. Last evaluated: 2025-08-07. Review status: criteria provided, single submitter. Criteria: GeneDx Variant Classification Process June 2021. Collection method: clinical testing. Allele origin: germline. Affected: yes.
Comment: Frameshift variant predicted to result in abnormal protein length as the last 230 amino acid(s) are replaced with 239 different amino acid(s), and other similar variants have been reported in HGMD; Not observed at significant frequency in large population cohorts (gnomAD); Has not been previously published as pathogenic or benign to our knowledge; This variant is associated with the following publications: (PMID: 33681112)

Labcorp Genetics (formerly Invitae), Labcorp
Classification: Pathogenic. Last evaluated: 2024-01-24. Review status: criteria provided, single submitter. Criteria: Invitae Variant Classification Sherloc (09022015). Collection method: clinical testing. Allele origin: germline.
Comment: This sequence change results in a frameshift in the KMT2E gene (p.Pro1629Serfs*240). While this is not anticipated to result in nonsense mediated decay, it is expected to disrupt the last 230 amino acid(s) of the KMT2E protein and extend the protein by 9 additional amino acid residues. This variant is not present in population databases (gnomAD no frequency). This variant has not been reported in the literature in individuals affected with KMT2E-related conditions. ClinVar contains an entry for this variant (Variation ID: 2023840). This variant disrupts a region of the KMT2E protein in which other variant(s) (p.Pro1806Leu) have been determined to be pathogenic (PMID: 33681112). This suggests that this is a clinically significant region of the protein, and that variants that disrupt it are likely to be disease-causing. For these reasons, this variant has been classified as Pathogenic.

Literature cited by the submitters: PubMed 33681112 (cited by Labcorp Genetics (formerly Invitae), Labcorp).